The following is an entry in ClinVar:

ClinVar aggregate classification (germline): Conflicting classifications of pathogenicity. Review status: criteria provided, conflicting classifications (1 of 4 stars). 2 submissions from 2 submitters: Uncertain significance (1); Likely benign (1). Last evaluated 2026-04-21.

Conditions:
Colorectal cancer, susceptibility to, 1. Also called: COLORECTAL ADENOMA AND CANCER, SUSCEPTIBILITY TO; COLORECTAL CANCER, SUSCEPTIBILITY TO, ON CHROMOSOME 9. Identifiers: MedGen C1837315, MONDO:0012132, OMIM 608812.

Submissions (2):

Myriad Genetics, Inc.
Classification: Likely benign for Colorectal cancer, susceptibility to, 1. Last evaluated: 2026-04-21. Review status: criteria provided, single submitter. Criteria: Myriad Autosomal Dominant, Autosomal Recessive and X-Linked Classification Criteria (2023). Collection method: clinical testing. Allele origin: unknown.
Comment: This variant is considered likely benign. This variant is intronic and is not expected to impact mRNA splicing.

Dasa
Classification: Uncertain significance. Last evaluated: 2025-11-10. Review status: criteria provided, single submitter. Criteria: DASA Assertion Criteria. Collection method: clinical testing. Allele origin: germline.
Comment: NM_024642.5(GALNT12):c.372-9T>C is a splice-region variant. This variant is absent from population databases. The currently available literature and clinical evidence are not sufficient to establish a definitive association between this variant and the reported condition. Therefore, this variant is classified as a variant of uncertain significance.

NM_024642.5(GALNT12):c.372-9T>C

Gene: GALNT12 (polypeptide N-acetylgalactosaminyltransferase 12; plus strand). Cytogenetic location: 9q22.33.
Variant type: single nucleotide variant.
Coding change: c.372-9T>C on transcript NM_024642.5 (MANE Select); 9 bases into the intron before coding-DNA position 372, T replaced by C.
Molecular consequence: intron variant.
Genome position (GRCh38, 1-based): chr9:98,823,247, T>C. VCF-style: chr9-98823247-T-C. GRCh37 (hg19) VCF-style: chr9-101585529-T-C.
Identifiers: ClinVar variation 4875710 (VCV004875710.3).